The following is an entry in ClinVar:

NM_207034.3(EDN3):c.-19C>A

Gene: EDN3 (endothelin 3; plus strand). Cytogenetic location: 20q13.32.
Variant type: single nucleotide variant.
Coding change: c.-19C>A on transcript NM_207034.3 (MANE Select); 19 bases upstream of the start codon, C replaced by A.
Molecular consequence: 5 prime UTR variant.
Genome position (GRCh38, 1-based): chr20:59,300,794, C>A. VCF-style: chr20-59300794-C-A. GRCh37 (hg19) VCF-style: chr20-57875849-C-A.
Other names: c.-19C>A (NM_001302455.2, NM_001302456.2, NM_207032.3 and 2 more transcripts).
Identifiers: ClinVar variation 1189967 (VCV001189967.7), dbSNP rs375594972, ClinGen allele CA9930222.

ClinVar aggregate classification (germline): Uncertain significance. Review status: criteria provided, multiple submitters, no conflicts (2 of 4 stars). 3 submissions from 3 submitters: Uncertain significance (3). Last evaluated 2026-09-24.

Conditions:
EDN3-related disorder. Also called: EDN3-related condition.

Allele frequency attached by ClinVar (database versions not stated): gnomAD 0.00009; TOPMed 0.00009; gnomAD exomes 0.00028; 1000 Genomes Project 0.00040; 1000 Genomes Project 30x 0.00031; ExAC 0.00042.
gnomAD v4.1: 102 of 1,606,992 alleles (0.0063%); highest among the groups gnomAD compares: East Asian, 0.22%; no homozygotes.

Submissions (3):

GeneDx
Classification: Uncertain significance. Last evaluated: 2026-09-24. Review status: criteria provided, single submitter. Criteria: GeneDx Variant Classification Process June 2021. Collection method: clinical testing. Allele origin: germline.
Comment: Located in a regulatory region; in the absence of functional studies, the actual effect of this sequence change is unknown; This variant is associated with the following publications: (PMID: 14633923)

PreventionGenetics, part of Exact Sciences
Classification: Uncertain significance for EDN3-related condition. Last evaluated: 2026-09-02. Review status: criteria provided, single submitter. Criteria: ACMG Guidelines, 2015. Collection method: clinical testing. Allele origin: germline.
Comment: The EDN3 c.-19C>A variant is located in the 5' untranslated region. This variant was reported in an individual with Hirschsprung disease (Garcia-Barcelo et al. 2003. PubMed ID: 14633923). This variant is reported in 0.35% of alleles in individuals of East Asian descent in gnomAD. Although we suspect that this variant may be benign, at this time, the clinical significance of this variant is uncertain due to the absence of conclusive functional and genetic evidence.

Breakthrough Genomics
Classification: Uncertain significance. Review status: criteria provided, single submitter. Criteria: ACMG Guidelines, 2015. Collection method: not provided. Allele origin: germline. Inheritance: Autosomal dominant inheritance. Affected: yes.